The following is an entry in ClinVar:

ClinVar aggregate classification (germline): Benign. Review status: criteria provided, single submitter (1 of 4 stars). 2 submissions from 2 submitters: Benign (1). 1 of the submissions does not count toward it.

Allele frequency attached by ClinVar (database versions not stated): TOPMed 0.01013; ESP Exome Variant Server 0.01147; 1000 Genomes Project 0.01797; gnomAD 0.01308; 1000 Genomes Project 30x 0.01733.
gnomAD v4.1: 28,562 of 1,613,958 alleles (1.8%); highest among the groups gnomAD compares: South Asian, 7%; 482 homozygotes.

Submissions (2):

Breakthrough Genomics
Classification: Benign. Review status: criteria provided, single submitter. Criteria: ACMG Guidelines, 2015. Collection method: not provided. Allele origin: germline. Inheritance: Unknown mechanism. Affected: yes.

Genetic Services Laboratory, University of Chicago
Classification: Likely benign for AllHighlyPenetrant. Review status: no assertion criteria provided. Collection method: clinical testing. Allele origin: germline. Inheritance: Autosomal dominant inheritance. Not counted in ClinVar's aggregate classification.
Comment: Likely benign based on allele frequency in 1000 Genomes Project or ESP global frequency and its presence in a patient with a rare or unrelated disease phenotype. NOT Sanger confirmed.

NM_012309.5(SHANK2):c.4461C>T (p.Ala1487=)

Gene: SHANK2 (SH3 and multiple ankyrin repeat domains 2; minus strand). Cytogenetic location: 11q13.3.
Variant type: single nucleotide variant.
Coding change: c.4461C>T on transcript NM_012309.5 (MANE Select); coding-DNA position 4461, C replaced by T.
Protein change: p.Ala1487=; no amino-acid change (alanine 1487 retained).
Molecular consequence: synonymous variant.
Genome position (GRCh38, 1-based): chr11:70,485,832, G>A on the plus strand (C>T on the coding strand, the complement: SHANK2 is on the minus strand). VCF-style: chr11-70485832-G-A. GRCh37 (hg19) VCF-style: chr11-70331937-G-A.
Other names: c.3324C>T, p.Ala1108= (NM_001379226.1); c.2697C>T, p.Ala899= (NM_133266.5).
Identifiers: ClinVar variation 130304 (VCV000130304.7), dbSNP rs143595073, ClinGen allele CA214499.
Genomic context (GRCh38, chr11:70,485,832, plus strand): 5'-GGTCGTCTCGAGGTGGTGGTCGCTGCTACTCCGGCTGTCCACCTCCTCGATCCCAGAGTC[G>A]GCGACGGCGTCAAAGCTTTCAGGGGGTGGCAGGAATGAGGCAGGCAGACAGTTTGAAAGA-3'
Protein context (NP_036441.2, residues 1477-1497): LPPPESFDAV[Ala1487=]DSGIEEVDSR